The following is an entry in ClinVar:

ClinVar aggregate classification (germline): Pathogenic (1 of 4 stars; one submission).

Conditions:
Juvenile polyposis syndrome (JPS). Identifiers: Orphanet 2929, MedGen C0345893, MONDO:0017380, OMIM 174900.

Submission:

Myriad Genetics, Inc.
Classification: Pathogenic for Juvenile polyposis syndrome. Last evaluated: 2023-05-26. Review status: criteria provided, single submitter. Criteria: Myriad Autosomal Dominant, Autosomal Recessive and X-Linked Classification Criteria (2023). Collection method: clinical testing. Allele origin: unknown.
Comment: This variant is considered pathogenic. This variant creates a frameshift predicted to result in premature protein truncation.

NM_004329.3(BMPR1A):c.951_952dup (p.Tyr318fs)

Gene: BMPR1A (bone morphogenetic protein receptor type 1A; plus strand). Cytogenetic location: 10q23.2.
Variant type: Microsatellite.
Coding change: c.951_952dup on transcript NM_004329.3 (MANE Select); coding-DNA positions 951 to 952, 2 bases duplicated (CT; older notation c.951_952dupCT).
Protein change: p.Tyr318fs; shifts the reading frame from tyrosine 318.
Molecular consequence: frameshift variant. On other transcripts: non-coding transcript variant (3).
Genome position (GRCh38, 1-based): chr10:86,919,254-86,919,255, CT duplicated; duplicating any 2 consecutive bases within chr10:86,919,249-86,919,255 gives the same sequence; the c. name uses the placement nearest the transcript's 3' end. VCF-style (leftmost placement, unchanged base first): chr10-86919248-A-ATC. GRCh37 (hg19) VCF-style: chr10-88679005-A-ATC.
Other names: c.867_868dup, p.Tyr290fs (NM_001406586.1, NM_001406587.1, NM_001406588.1 and 2 more transcripts); c.609_610dup, p.Tyr204fs (NM_001406589.1); c.1026_1027dup, p.Tyr343fs (NM_001406559.1); c.999_1000dup, p.Tyr334fs (NM_001406560.1); c.951_952dup, p.Tyr318fs (NM_001406561.1, NM_001406562.1, NM_001406563.1 and 19 more transcripts); c.945_946dup, p.Tyr316fs (NM_001406583.1); short protein forms Y204fs, Y290fs, Y316fs, Y318fs, Y334fs, Y343fs.
Identifiers: ClinVar variation 2583193 (VCV002583193.2), dbSNP rs1060503409, ClinGen allele CA2582342686.
Genomic context (GRCh38, chr10:86,919,248, plus strand): 5'-CATTAAAGGTACAGGTTCCTGGACTCAGCTCTATTTGATTACTGATTACCATGAAAATGG[A>ATC]TCTCTCTATGACTTCCTGAAATGTGCTACACTGGACACCAGAGCCCTGCTTAAATTGGCT-3'